The following is an entry in ClinVar:

ClinVar aggregate classification (germline): Uncertain significance (1 of 4 stars; one submission).

Conditions:
Atypical hemolytic-uremic syndrome. Identifiers: Orphanet 2134, MedGen C2931788, MONDO:0016244.
Basal laminar drusen. Also called: DRUSEN OF BRUCH MEMBRANE; DRUSEN, CUTICULAR; DRUSEN, EARLY ADULT-ONSET, GROUPED. Identifiers: Orphanet 75376, MedGen C0730295, MONDO:0007472, OMIM 126700.
Factor H deficiency (CFHD). Also called: COMPLEMENT FACTOR H DEFICIENCY; CFH DEFICIENCY. Identifiers: Orphanet 200421, MedGen C0398777, MONDO:0012350, OMIM 609814.
Age related macular degeneration 4. Identifiers: MedGen C1853147, MONDO:0012540, OMIM 610698.

Submission:

Genomenon, Inc
Classification: Uncertain significance for Basal laminar drusen; Age related macular degeneration 4; Atypical hemolytic-uremic syndrome; Factor H deficiency. Last evaluated: 2025-10-02. Review status: criteria provided, single submitter. Criteria: Genomenon Sequence Variant Interpretation Standards - Updated. Collection method: curation. Allele origin: germline. Affected: no.
Comment: CFH p.Tyr353Phe (c.1058A>T) is a missense variant that changes the amino acid at residue 353 from Tyrosine to Phenylalanine. This variant has been reported in the published literature (PMID:19273554). It is absent or not present at a significant frequency in gnomAD. In silico models agree that this variant is not damaging. In conclusion, we classify CFH p.Tyr353Phe (c.1058A>T) as a variant of uncertain significance.

Literature cited by the submitters: PubMed 19273554.

NM_000186.4(CFH):c.1058A>T (p.Tyr353Phe)

Gene: CFH (complement factor H; plus strand). Cytogenetic location: 1q31.3.
Variant type: single nucleotide variant.
Coding change: c.1058A>T on transcript NM_000186.4 (MANE Select); coding-DNA position 1058, A replaced by T.
Protein change: p.Tyr353Phe; replaces tyrosine 353 with phenylalanine.
Molecular consequence: missense variant.
Genome position (GRCh38, 1-based): chr1:196,689,513, A>T. VCF-style: chr1-196689513-A-T. GRCh37 (hg19) VCF-style: chr1-196658643-A-T.
Other names: c.1058A>T, p.Tyr353Phe (NM_001014975.3); short protein forms Y353F.
Identifiers: ClinVar variation 4291354 (VCV004291354.1).